The following is an entry in ClinVar:

NM_005993.5(TBCD):c.2753G>A (p.Arg918His)

Gene: TBCD (tubulin folding cofactor D). Cytogenetic location: 17q25.3.
Variant type: single nucleotide variant.
Coding change: c.2753G>A on transcript NM_005993.5 (MANE Select); coding-DNA position 2753, G replaced by A.
Protein change: p.Arg918His; replaces arginine 918 with histidine.
Molecular consequence: missense variant.
Genome position (GRCh38, 1-based): chr17:82,929,172, G>A. VCF-style: chr17-82929172-G-A. GRCh37 (hg19) VCF-style: chr17-80887048-G-A.
Other names: c.2702G>A, p.Arg901His (NM_001411101.1); c.2672G>A, p.Arg891His (NM_001411102.1); short protein forms R901H, R918H, R891H.
Identifiers: ClinVar variation 2148891 (VCV002148891.3), dbSNP rs760545140, ClinGen allele CA295301107.

ClinVar aggregate classification (germline): Uncertain significance (1 of 4 stars; one submission).

gnomAD v4.1: 2 of 1,613,584 alleles (0.00012%); highest among the groups gnomAD compares: Non-Finnish European, 0.00017%; no homozygotes.

Submission:

Labcorp Genetics (formerly Invitae), Labcorp
Classification: Uncertain significance. Last evaluated: 2024-11-11. Review status: criteria provided, single submitter. Criteria: Invitae Variant Classification Sherloc (09022015). Collection method: clinical testing. Allele origin: germline.
Comment: This sequence change replaces arginine, which is basic and polar, with histidine, which is basic and polar, at codon 918 of the TBCD protein (p.Arg918His). This variant is not present in population databases (gnomAD no frequency). This variant has not been reported in the literature in individuals affected with TBCD-related conditions. ClinVar contains an entry for this variant (Variation ID: 2148891). Invitae Evidence Modeling of protein sequence and biophysical properties (such as structural, functional, and spatial information, amino acid conservation, physicochemical variation, residue mobility, and thermodynamic stability) indicates that this missense variant is expected to disrupt TBCD protein function with a positive predictive value of 95%. In summary, the available evidence is currently insufficient to determine the role of this variant in disease. Therefore, it has been classified as a Variant of Uncertain Significance.